The following is an entry in ClinVar:

ClinVar aggregate classification (germline): Benign. Review status: criteria provided, multiple submitters, no conflicts (2 of 4 stars). 10 submissions from 9 submitters: Benign (10). Last evaluated 2026-02-04.

Conditions:
Nemaline myopathy 2 (NEM2). Also called: Nemaline myopathy 2, autosomal recessive. Identifiers: MedGen C1850569, MONDO:0009725, OMIM 256030.
Arthrogryposis multiplex congenita 6. Identifiers: MedGen C5543431, MONDO:0030281, OMIM 619334.

Allele frequency attached by ClinVar (database versions not stated): gnomAD 0.09664; 1000 Genomes Project 0.10323; 1000 Genomes Project 30x 0.10821; ESP Exome Variant Server 0.10983; TOPMed 0.11110.
gnomAD v4.1: 94,483 of 1,568,950 alleles (6%); highest among the groups gnomAD compares: African/African-American, 23%; 4,255 homozygotes.

Submissions (15):

Labcorp Genetics (formerly Invitae), Labcorp
Classification: Benign for Nemaline myopathy 2. Last evaluated: 2026-02-04. Review status: criteria provided, single submitter. Criteria: Invitae Variant Classification Sherloc (09022015). Collection method: clinical testing. Allele origin: germline.

Blueprint Genetics
Classification: Benign. Last evaluated: 2024-11-26. Review status: criteria provided, single submitter. Criteria: ACMG Guidelines, 2015. Collection method: clinical testing. Allele origin: germline.

Genome-Nilou Lab
Classification: Benign for Arthrogryposis multiplex congenita 6. Last evaluated: 2021-07-10. Review status: criteria provided, single submitter. Criteria: ACMG Guidelines, 2015. Collection method: clinical testing. Allele origin: germline. Affected: no.

Genome-Nilou Lab
Classification: Benign for Nemaline myopathy 2. Last evaluated: 2021-07-10. Review status: criteria provided, single submitter. Criteria: ACMG Guidelines, 2015. Collection method: clinical testing. Allele origin: germline. Affected: no.

Illumina Laboratory Services, Illumina
Classification: Benign for Nemaline myopathy 2. Last evaluated: 2018-01-13. Review status: criteria provided, single submitter. Criteria: ICSL Variant Classification Criteria 13 December 2019. Collection method: clinical testing. Allele origin: germline.
Comment: This variant was observed in the ICSL laboratory as part of a predisposition screen in an ostensibly healthy population. It had not been previously curated by ICSL or reported in the Human Gene Mutation Database (HGMD: prior to June 1st, 2018), and was therefore a candidate for classification through an automated scoring system. Utilizing variant allele frequency, disease prevalence and penetrance estimates, and inheritance mode, an automated score was calculated to assess if this variant is too frequent to cause the disease. Based on the score and internal cut-off values, a variant classified as benign is not then subjected to further curation. The score for this variant resulted in a classification of benign for this disease.

Women's Health and Genetics/Laboratory Corporation of America, LabCorp
Classification: Benign. Last evaluated: 2017-02-27. Review status: criteria provided, single submitter. Criteria: LabCorp Variant Classification Summary - May 2015. Collection method: clinical testing. Allele origin: germline.
Comment: Variant summary: c.6184-14T>A in NEB gene is an intronic change that involves a non-conserved nucleotide. 5/5 programs in Alamut predict that this variant does not affect the normal splicing pattern, however no functional studies supporting this notion were published at the time of evaluation. The variant is present in the control population dataset of ExAC at a frequency of 0.06562 (7599 / 115796 chrs tested), including numerous homozygotes across multiple ethnicities. The observed frequency exceed the maximum expected allele frequency for a pathogenic variant of 0.0035. The variant of interest has not, to our knowledge, been reported in affected individuals in published reports but cited as Benign by reputable databases/clinical laboratories. Considering all, the variant was classified as Benign.

GeneDx
Classification: Benign. Last evaluated: 2016-02-15. Review status: criteria provided, single submitter. Criteria: GeneDx Variant Classification (06012015). Collection method: clinical testing. Allele origin: germline. Affected: yes.
Comment: This variant is considered likely benign or benign based on one or more of the following criteria: it is a conservative change, it occurs at a poorly conserved position in the protein, it is predicted to be benign by multiple in silico algorithms, and/or has population frequency not consistent with disease.

Laboratory for Molecular Medicine, Mass General Brigham Personalized Medicine
Classification: Benign. Last evaluated: 2014-11-24. Review status: criteria provided, single submitter. Criteria: LMM Criteria. Collection method: clinical testing. Allele origin: germline. Observed: 2 variant alleles.
Comment: 6184-14T>A in intron 48 of NEB: This variant is not expected to have clinical si gnificance because it has been identified in 22.5% (811/3602) of African America n chromosomes from a broad population by the NHLBI Exome Sequencing Project (dbSNP rs10173335).

Breakthrough Genomics
Classification: Benign. Review status: criteria provided, single submitter. Criteria: ACMG Guidelines, 2015. Collection method: not provided. Allele origin: germline. Inheritance: Autosomal recessive inheritance. Affected: yes.

PreventionGenetics, part of Exact Sciences
Classification: Benign. Review status: criteria provided, single submitter. Criteria: ACMG Guidelines, 2015. Collection method: clinical testing. Allele origin: germline.

Dr. Peter K. Rogan Lab, Western University
No classification provided (evidence only). Condition: Uterine carcinosarcoma. Review status: no classification provided. Collection method: in vitro. Allele origin: not applicable. Functional consequence: retained intron. Not counted in ClinVar's aggregate classification.

Dr. Peter K. Rogan Lab, Western University
No classification provided (evidence only). Condition: Chronic lymphocytic leukemia/small lymphocytic lymphoma. Review status: no classification provided. Collection method: in vitro. Allele origin: not applicable. Functional consequence: retained intron. Not counted in ClinVar's aggregate classification.

Dr. Peter K. Rogan Lab, Western University
No classification provided (evidence only). Condition: Familial pancreatic carcinoma. Review status: no classification provided. Collection method: in vitro. Allele origin: not applicable. Functional consequence: retained intron. Not counted in ClinVar's aggregate classification.

Dr. Peter K. Rogan Lab, Western University
No classification provided (evidence only). Condition: Familial pancreatic carcinoma. Review status: no classification provided. Collection method: in vitro. Allele origin: not applicable. Functional consequence: retained intron. Not counted in ClinVar's aggregate classification.

Dr. Peter K. Rogan Lab, Western University
No classification provided (evidence only). Condition: Familial pancreatic carcinoma. Review status: no classification provided. Collection method: in vitro. Allele origin: not applicable. Functional consequence: retained intron. Not counted in ClinVar's aggregate classification.

NM_001164508.2(NEB):c.6184-14T>A

Gene: NEB (nebulin; minus strand). Cytogenetic location: 2q23.3.
Variant type: single nucleotide variant.
Coding change: c.6184-14T>A on transcript NM_001164508.2 (MANE Select); 14 bases into the intron before coding-DNA position 6184, T replaced by A.
Molecular consequence: intron variant.
Genome position (GRCh38, 1-based): chr2:151,656,478, A>T on the plus strand (T>A on the coding strand, the complement: NEB is on the minus strand). VCF-style: chr2-151656478-A-T. GRCh37 (hg19) VCF-style: chr2-152512992-A-T.
Other names: c.6184-14T>A (NM_004543.5, NM_001164507.2, NM_001271208.2).
Identifiers: ClinVar variation 226846 (VCV000226846.23), dbSNP rs10173335, ClinGen allele CA1910152.